The following is an entry in ClinVar:

NM_181882.3(PRX):c.1184C>T (p.Thr395Ile)

Gene: PRX (periaxin; minus strand). Cytogenetic location: 19q13.2.
Variant type: single nucleotide variant.
Coding change: c.1184C>T on transcript NM_181882.3 (MANE Select); coding-DNA position 1184, C replaced by T.
Protein change: p.Thr395Ile; replaces threonine 395 with isoleucine.
Molecular consequence: missense variant. On other transcripts: 3 prime UTR variant (1).
Genome position (GRCh38, 1-based): chr19:40,397,168, G>A on the plus strand (C>T on the coding strand, the complement: PRX is on the minus strand). VCF-style: chr19-40397168-G-A. GRCh37 (hg19) VCF-style: chr19-40903075-G-A.
Other names: c.*1389C>T (NM_020956.2); short protein forms T395I.
Identifiers: ClinVar variation 1029316 (VCV001029316.1), dbSNP rs1273087776, ClinGen allele CA405898911.

ClinVar aggregate classification (germline): Uncertain significance (1 of 4 stars; one submission).

Conditions:
Charcot-Marie-Tooth disease type 4F. Also called: Charcot-Marie-Tooth disease, demyelinating, type 4F. Identifiers: Orphanet 99952, MedGen C3540453, MONDO:0013959, OMIM 614895.

Allele frequency attached by ClinVar (database versions not stated): TOPMed below 0.00001; gnomAD 0.00001.
gnomAD v4.1: 2 of 1,613,976 alleles (0.00012%); highest among the groups gnomAD compares: Non-Finnish European, 0.00017%; no homozygotes.

Submission:

Baylor Genetics
Classification: Uncertain significance for Charcot-Marie-Tooth disease type 4F. Last evaluated: 2019-02-21. Review status: criteria provided, single submitter. Criteria: ACMG Guidelines, 2015. Collection method: clinical testing. Allele origin: unknown. Affected: yes.
Comment: This variant was determined to be of uncertain significance according to ACMG Guidelines, 2015 [PMID:25741868].